The following is an entry in ClinVar:

ClinVar aggregate classification (germline): Conflicting classifications of pathogenicity. Review status: criteria provided, conflicting classifications (1 of 4 stars). 11 submissions from 11 submitters: Uncertain significance (2); Likely benign (7). 2 of the submissions do not count toward it. Last evaluated 2025-12-20.

Conditions:
LAMA2-related muscular dystrophy (LAMA2-RD). Also called: Laminin alpha 2-related dystrophy. Identifiers: MedGen C5679788, MONDO:0100228.
LAMA2-related disorder. Also called: LAMA2-related disorders; LAMA2-related condition.
Congenital muscular dystrophy due to partial LAMA2 deficiency. Identifiers: MedGen C1842898.

Allele frequency attached by ClinVar (database versions not stated): gnomAD 0.00009 and 0.00012; ExAC 0.00021; ESP Exome Variant Server 0.00023; TOPMed 0.00024; gnomAD exomes 0.00029; 1000 Genomes Project 30x 0.00047; 1000 Genomes Project 0.00060.
gnomAD v4.1: 214 of 1,612,948 alleles (0.013%); highest among the groups gnomAD compares: Middle Eastern, 0.25%; 1 homozygote.

Submissions (11):

Labcorp Genetics (formerly Invitae), Labcorp
Classification: Likely benign for LAMA2-related muscular dystrophy. Last evaluated: 2025-12-20. Review status: criteria provided, single submitter. Criteria: Invitae Variant Classification Sherloc (09022015). Collection method: clinical testing. Allele origin: germline.

PreventionGenetics, part of Exact Sciences
Classification: Likely benign for LAMA2-related condition. Last evaluated: 2025-08-27. Review status: criteria provided, single submitter. Criteria: ACMG Guidelines, 2015. Collection method: clinical testing. Allele origin: germline.
Comment: This variant is classified as likely benign based on ACMG/AMP sequence variant interpretation guidelines (Richards et al. 2015 PMID: 25741868, with internal and published modifications).

Mayo Clinic Laboratories, Mayo Clinic
Classification: Likely benign. Last evaluated: 2025-07-18. Review status: criteria provided, single submitter. Criteria: ACMG Guidelines, 2015. Collection method: clinical testing. Allele origin: germline. Observed: 1 variant allele.
Comment: BS1, BP4, BP7

CeGaT Center for Human Genetics Tuebingen
Classification: Likely benign. Last evaluated: 2025-03-01. Review status: criteria provided, single submitter. Criteria: CeGaT Center For Human Genetics Tuebingen Variant Classification Criteria Version 2. Collection method: clinical testing. Allele origin: germline. Affected: yes. Observed: 3 variant alleles.
Comment: LAMA2: BP4, BP7

Athena Diagnostics
Classification: Likely benign. Last evaluated: 2025-01-08. Review status: criteria provided, single submitter. Criteria: Athena Diagnostics Criteria. Collection method: clinical testing. Allele origin: unknown.
Comment: Computational tools yielded predictions that this variant is unlikely to have an effect on normal RNA splicing. This nucleotide position exhibits low evolutionary conservation.

Blueprint Genetics
Classification: Likely benign. Last evaluated: 2024-08-30. Review status: criteria provided, single submitter. Criteria: ACMG Guidelines, 2015. Collection method: clinical testing. Allele origin: germline.

Illumina Laboratory Services, Illumina
Classification: Uncertain significance for Congenital muscular dystrophy due to partial LAMA2 deficiency. Last evaluated: 2018-01-13. Review status: criteria provided, single submitter. Criteria: ICSL Variant Classification Criteria 13 December 2019. Collection method: clinical testing. Allele origin: germline.

GeneDx
Classification: Likely benign. Last evaluated: 2017-03-13. Review status: criteria provided, single submitter. Criteria: GeneDx Variant Classification (06012015). Collection method: clinical testing. Allele origin: germline. Affected: yes.
Comment: This variant is considered likely benign or benign based on one or more of the following criteria: it is a conservative change, it occurs at a poorly conserved position in the protein, it is predicted to be benign by multiple in silico algorithms, and/or has population frequency not consistent with disease.

Genetic Services Laboratory, University of Chicago
Classification: Uncertain significance. Last evaluated: 2015-08-26. Review status: criteria provided, single submitter. Criteria: ACMG Guidelines, 2015. Collection method: clinical testing. Allele origin: germline. Affected: no.

Joint Genome Diagnostic Labs from Nijmegen and Maastricht, Radboudumc and MUMC+
Classification: Likely benign. Review status: no assertion criteria provided. Collection method: clinical testing. Allele origin: germline. Affected: yes. Study: VKGL Data-share Consensus. Not counted in ClinVar's aggregate classification.

Laboratory of Diagnostic Genome Analysis, Leiden University Medical Center (LUMC)
Classification: Likely benign. Review status: no assertion criteria provided. Collection method: clinical testing. Allele origin: germline. Affected: yes. Study: VKGL Data-share Consensus. Not counted in ClinVar's aggregate classification.

NM_000426.4(LAMA2):c.8223G>A (p.Thr2741=)

Gene: LAMA2 (laminin subunit alpha 2; plus strand). Cytogenetic location: 6q22.33.
Variant type: single nucleotide variant.
Coding change: c.8223G>A on transcript NM_000426.4 (MANE Select); coding-DNA position 8223, G replaced by A.
Protein change: p.Thr2741=; no amino-acid change (threonine 2741 retained).
Molecular consequence: synonymous variant.
Genome position (GRCh38, 1-based): chr6:129,492,462, G>A. VCF-style: chr6-129492462-G-A. GRCh37 (hg19) VCF-style: chr6-129813607-G-A.
Other names: p.Thr2741=; c.8211G>A, p.Thr2737= (NM_001079823.2).
Identifiers: ClinVar variation 355301 (VCV000355301.60), dbSNP rs150596964, ClinGen allele CA3994763.